The following is an entry in ClinVar:

ClinVar aggregate classification (germline): Pathogenic (1 of 4 stars; one submission).

Conditions:
Hereditary breast ovarian cancer syndrome. Also called: Hereditary breast and ovarian cancer; Hereditary breast and ovarian cancer syndrome; Breast and ovarian cancer; BRCA1- and BRCA2-Associated Hereditary Breast and Ovarian Cancer; Hereditary breast and/or ovarian cancer syndrome; Hereditary breast and ovarian cancer syndrome (HBOC). Identifiers: Orphanet 145, MedGen C0677776, MeSH D061325, MONDO:0003582. Disease mechanism: loss of function.

Submission:

Labcorp Genetics (formerly Invitae), Labcorp
Classification: Pathogenic for Hereditary breast ovarian cancer syndrome. Last evaluated: 2020-11-23. Review status: criteria provided, single submitter. Criteria: Invitae Variant Classification Sherloc (09022015). Collection method: clinical testing. Allele origin: germline.
Comment: This sequence change creates a premature translational stop signal (p.Ser603Phefs*5) in the BRCA1 gene. It is expected to result in an absent or disrupted protein product. Loss-of-function variants in BRCA1 are known to be pathogenic (PMID: 20104584). This variant is not present in population databases (ExAC no frequency). This variant has not been reported in the literature in individuals with BRCA1-related conditions. For these reasons, this variant has been classified as Pathogenic.

Literature cited by the submitters: PubMed 20104584.

NM_007294.4(BRCA1):c.1807dup (p.Ser603fs)

Gene: BRCA1 (BRCA1 DNA repair associated; minus strand). Cytogenetic location: 17q21.31.
Variant type: Duplication.
Coding change: c.1807dup on transcript NM_007294.4 (MANE Select); coding-DNA position 1807, one base duplicated (T; older notation c.1807dupT).
Protein change: p.Ser603fs; shifts the reading frame from serine 603.
Molecular consequence: frameshift variant. On other transcripts: intron variant (137).
Genome position (GRCh38, 1-based): chr17:43,093,724, A duplicated on the plus strand (T on the coding strand, the reverse complement: BRCA1 is on the minus strand); the first of 2 consecutive A bases (chr17:43,093,724-43,093,725); duplicating either gives the same sequence. VCF-style (leftmost placement, unchanged base first): chr17-43093723-G-GA. GRCh37 (hg19) VCF-style: chr17-41245740-G-GA.
Other names: c.661+1020dup (NM_001408450.1, NM_001408434.1, NM_001408447.1 and 6 more transcripts); c.784+1020dup (NM_001408398.1, NM_001407992.1, NM_001408400.1 and 13 more transcripts); c.664+1020dup (NM_001408440.1, NM_001408428.1, NM_001408441.1 and 12 more transcripts); c.670+2122dup (NM_001408418.1, NM_001408423.1, NM_001408420.1 and 2 more transcripts); c.787+1020dup (NM_001407981.1, NM_007298.4, NM_001407978.1 and 19 more transcripts); c.643+1020dup (NM_001408462.1, NM_001408470.1, NM_001408464.1 and 3 more transcripts); c.709+1020dup (NM_001408414.1, NM_001408411.1, NM_001408415.1 and 2 more transcripts); c.577+1020dup (NM_001408514.1, NM_001408485.1, NM_001408483.1 and 9 more transcripts); and 40 more; short protein forms S556fs, S603fs, S514fs, S536fs, S561fs, S576fs, S435fs, S475fs.
Identifiers: ClinVar variation 1444186 (VCV001444186.7), dbSNP rs2154421251, ClinGen allele CA2573154073.